The following is an entry in ClinVar:

NM_001354269.3(ANK2):c.22G>A (p.Ala8Thr)

Gene: ANK2 (ankyrin 2; plus strand). Cytogenetic location: 4q25.
Variant type: single nucleotide variant.
Coding change: c.22G>A on transcript NM_001354269.3; coding-DNA position 22, G replaced by A.
Protein change: p.Ala8Thr; replaces alanine 8 with threonine.
Molecular consequence: missense variant.
Genome position (GRCh38, 1-based): chr4:112,706,167, G>A. VCF-style: chr4-112706167-G-A. GRCh37 (hg19) VCF-style: chr4-113627323-G-A.
Other names: c.22G>A, p.Ala8Thr (NM_001386148.2, NM_001386186.2, NM_001386187.2); short protein forms A8T.
Identifiers: ClinVar variation 3034928 (VCV003034928.3), dbSNP rs534204879, ClinGen allele CA104441330.

ClinVar aggregate classification (germline): Likely benign. Review status: criteria provided, single submitter (1 of 4 stars). 2 submissions from 2 submitters: Likely benign (1). 1 of the submissions does not count toward it. Last evaluated 2025-04-09.

Conditions:
ANK2-related disorder. Also called: ANK2-related condition.

Allele frequency attached by ClinVar (database versions not stated): 1000 Genomes Project 30x 0.00094; 1000 Genomes Project 0.00060; gnomAD 0.00132.
gnomAD v4.1: 207 of 151,750 alleles (0.14%); highest among the groups gnomAD compares: Non-Finnish European, 0.23%; no homozygotes.

Submissions (2):

Molecular Diagnostic Laboratory for Inherited Cardiovascular Disease, Montreal Heart Institute
Classification: Likely benign. Last evaluated: 2025-04-09. Review status: criteria provided, single submitter. Criteria: ACMG Guidelines, 2015. Collection method: clinical testing. Allele origin: germline. Affected: no.

PreventionGenetics, part of Exact Sciences
Classification: Likely benign for ANK2-related condition. Last evaluated: 2022-07-06. Review status: no assertion criteria provided. Collection method: clinical testing. Allele origin: germline. Not counted in ClinVar's aggregate classification.
Comment: This variant is classified as likely benign based on ACMG/AMP sequence variant interpretation guidelines (Richards et al. 2015 PMID: 25741868, with internal and published modifications).